The following is an entry in ClinVar:

NM_144997.7(FLCN):c.522C>T (p.Thr174=)

Gene: FLCN (folliculin; minus strand). Cytogenetic location: 17p11.2.
Variant type: single nucleotide variant.
Coding change: c.522C>T on transcript NM_144997.7 (MANE Select); coding-DNA position 522, C replaced by T.
Protein change: p.Thr174=; no amino-acid change (threonine 174 retained).
Molecular consequence: synonymous variant.
Genome position (GRCh38, 1-based): chr17:17,224,018, G>A on the plus strand (C>T on the coding strand, the complement: FLCN is on the minus strand). VCF-style: chr17-17224018-G-A. GRCh37 (hg19) VCF-style: chr17-17127332-G-A.
Other names: c.576C>T, p.Thr192= (NM_001353229.2); c.522C>T, p.Thr174= (NM_001353230.2, NM_001353231.2, NM_144606.7).
Identifiers: ClinVar variation 1616290 (VCV001616290.9), dbSNP rs2144976424, ClinGen allele CA498166183.

ClinVar aggregate classification (germline): Benign/Likely benign. Review status: criteria provided, multiple submitters, no conflicts (2 of 4 stars). 2 submissions from 2 submitters: Benign (1); Likely benign (1). Last evaluated 2024-10-23.

Conditions:
Birt-Hogg-Dube syndrome. Also called: Birt Hogg Dubé syndrome. Identifiers: Orphanet 122, MedGen C0346010, MONDO:0800444.
Birt-Hogg-Dube syndrome 1 (BHD1). Also called: FIBROFOLLICULOMAS WITH TRICHODISCOMAS AND ACROCHORDONS. Identifiers: Orphanet 122, MedGen CN375946, MONDO:0800445, OMIM 135150.

Submissions (2):

Myriad Genetics, Inc.
Classification: Benign for Birt-Hogg-Dube syndrome 1. Last evaluated: 2024-10-23. Review status: criteria provided, single submitter. Criteria: Myriad Autosomal Dominant, Autosomal Recessive and X-Linked Classification Criteria (2023). Collection method: clinical testing. Allele origin: unknown.
Comment: This variant is considered benign. This variant is a silent/synonymous amino acid change and it is not expected to impact splicing.

Labcorp Genetics (formerly Invitae), Labcorp
Classification: Likely benign for Birt-Hogg-Dube syndrome. Last evaluated: 2020-11-04. Review status: criteria provided, single submitter. Criteria: Invitae Variant Classification Sherloc (09022015). Collection method: clinical testing. Allele origin: germline.